The following is an entry in ClinVar:

NM_000834.5(GRIN2B):c.4432T>C (p.Ser1478Pro)

Gene: GRIN2B (glutamate ionotropic receptor NMDA type subunit 2B; minus strand). Cytogenetic location: 12p13.1.
Variant type: single nucleotide variant.
Coding change: c.4432T>C on transcript NM_000834.5 (MANE Select); coding-DNA position 4432, T replaced by C.
Protein change: p.Ser1478Pro; replaces serine 1478 with proline.
Molecular consequence: missense variant.
Genome position (GRCh38, 1-based): chr12:13,562,806, A>G on the plus strand (T>C on the coding strand, the complement: GRIN2B is on the minus strand). VCF-style: chr12-13562806-A-G. GRCh37 (hg19) VCF-style: chr12-13715740-A-G.
Other names: short protein forms S1478P.
Identifiers: ClinVar variation 579758 (VCV000579758.11), dbSNP rs910793751, ClinGen allele CA233132472.

ClinVar aggregate classification (germline): Uncertain significance. Review status: criteria provided, multiple submitters, no conflicts (2 of 4 stars). 2 submissions from 2 submitters: Uncertain significance (2). Last evaluated 2026-09-07.

Conditions:
Intellectual developmental disorder, autosomal dominant 6, with or without seizures. Also called: Intellectual disability, autosomal dominant 6; GRIN2B-related developmental delay, intellectual disability and autism spectrum disorder. Identifiers: Orphanet 589547, MedGen C3151411, MONDO:0013509, OMIM 613970.
Developmental and epileptic encephalopathy, 27 (DEE27). Also called: Epileptic encephalopathy, early infantile, 27; GRIN2B-Related Neurodevelopmental Disorder. Identifiers: Orphanet 3451, MedGen C4015316, MONDO:0014505, OMIM 616139.

Allele frequency attached by ClinVar (database versions not stated): gnomAD exomes below 0.00001.
gnomAD v4.1: 2 of 1,614,170 alleles (0.00012%); highest among the groups gnomAD compares: East Asian, 0.0022%; no homozygotes.

Submissions (2):

GeneDx
Classification: Uncertain significance. Last evaluated: 2026-09-07. Review status: criteria provided, single submitter. Criteria: GeneDx Variant Classification Process June 2021. Collection method: clinical testing. Allele origin: germline.
Comment: Not observed at significant frequency in large population cohorts (gnomAD); In silico analysis supports that this missense variant has a deleterious effect on protein structure/function; Has not been previously published as pathogenic or benign to our knowledge

Labcorp Genetics (formerly Invitae), Labcorp
Classification: Uncertain significance for Developmental and epileptic encephalopathy, 27; Intellectual developmental disorder, autosomal dominant 6, with or without seizures. Last evaluated: 2022-01-14. Review status: criteria provided, single submitter. Criteria: Invitae Variant Classification Sherloc (09022015). Collection method: clinical testing. Allele origin: germline.
Comment: In summary, the available evidence is currently insufficient to determine the role of this variant in disease. Therefore, it has been classified as a Variant of Uncertain Significance. Advanced modeling of protein sequence and biophysical properties (such as structural, functional, and spatial information, amino acid conservation, physicochemical variation, residue mobility, and thermodynamic stability) performed at Invitae indicates that this missense variant is not expected to disrupt GRIN2B protein function. ClinVar contains an entry for this variant (Variation ID: 579758). This variant has not been reported in the literature in individuals affected with GRIN2B-related conditions. This variant is not present in population databases (gnomAD no frequency). This sequence change replaces serine, which is neutral and polar, with proline, which is neutral and non-polar, at codon 1478 of the GRIN2B protein (p.Ser1478Pro).